The following is an entry in ClinVar:

NM_014679.5(CEP57):c.1241A>G (p.Gln414Arg)

Gene: CEP57 (centrosomal protein 57; plus strand). Cytogenetic location: 11q21.
Variant type: single nucleotide variant.
Coding change: c.1241A>G on transcript NM_014679.5 (MANE Select); coding-DNA position 1241, A replaced by G.
Protein change: p.Gln414Arg; replaces glutamine 414 with arginine.
Molecular consequence: missense variant.
Genome position (GRCh38, 1-based): chr11:95,829,300, A>G. VCF-style: chr11-95829300-A-G. GRCh37 (hg19) VCF-style: chr11-95562464-A-G.
Other names: c.1214A>G, p.Gln405Arg (NM_001243776.2); c.1163A>G, p.Gln388Arg (NM_001243777.2); c.1160A>G, p.Gln387Arg (NM_001363604.2, NM_001440869.1, NM_001440870.1); c.1133A>G, p.Gln378Arg (NM_001440871.1); c.1124A>G, p.Gln375Arg (NM_001440872.1); c.1061A>G, p.Gln354Arg (NM_001440873.1); c.1055A>G, p.Gln352Arg (NM_001440874.1); c.1052A>G, p.Gln351Arg (NM_001440875.1); and 6 more; short protein forms Q313R, Q351R, Q352R, Q414R, Q315R, Q327R, Q387R, Q388R.
Identifiers: ClinVar variation 4613517 (VCV004613517.1).

ClinVar aggregate classification (germline): Uncertain significance (1 of 4 stars; one submission).

Conditions:
Inborn genetic diseases. Identifiers: MedGen C0950123, MeSH D030342.

Submission:

Ambry Genetics
Classification: Uncertain significance for Inborn genetic diseases. Last evaluated: 2025-10-11. Review status: criteria provided, single submitter. Criteria: Ambry Variant Classification Scheme 2023. Collection method: clinical testing. Allele origin: germline.
Comment: The p.Q414R variant (also known as c.1241A>G), located in coding exon 10 of the CEP57 gene, results from an A to G substitution at nucleotide position 1241. The glutamine at codon 414 is replaced by arginine, an amino acid with highly similar properties. This amino acid position is conserved. In addition, this alteration is predicted to be deleterious by in silico analysis. Based on the available evidence, the clinical significance of this variant remains unclear.